The following is an entry in ClinVar:

ClinVar aggregate classification (germline): Uncertain significance (1 of 4 stars; one submission).

Submission:

Ambry Genetics
Classification: Uncertain significance. Last evaluated: 2021-06-14. Review status: criteria provided, single submitter. Criteria: Ambry Variant Classification Scheme 2023. Collection method: clinical testing. Allele origin: germline.
Comment: The p.E3838A variant (also known as c.11513A>C), located in coding exon 81 of the PRKDC gene, results from an A to C substitution at nucleotide position 11513. The glutamic acid at codon 3838 is replaced by alanine, an amino acid with dissimilar properties. This amino acid position is conserved. In addition, this alteration is predicted to be tolerated by in silico analysis. Since supporting evidence is limited at this time, the clinical significance of this alteration remains unclear.

NM_006904.7(PRKDC):c.11513A>C (p.Glu3838Ala)

Gene: PRKDC (protein kinase, DNA-activated, catalytic subunit; minus strand). Cytogenetic location: 8q11.21.
Variant type: single nucleotide variant.
Coding change: c.11513A>C on transcript NM_006904.7 (MANE Select); coding-DNA position 11513, A replaced by C.
Protein change: p.Glu3838Ala; replaces glutamic acid 3838 with alanine.
Molecular consequence: missense variant.
Genome position (GRCh38, 1-based): chr8:47,779,070, T>G on the plus strand (A>C on the coding strand, the complement: PRKDC is on the minus strand). VCF-style: chr8-47779070-T-G. GRCh37 (hg19) VCF-style: chr8-48691631-T-G.
Other names: c.11420A>C, p.Glu3807Ala (NM_001081640.2); short protein forms E3807A, E3838A.
Identifiers: ClinVar variation 1734066 (VCV001734066.2), dbSNP rs2551860047, ClinGen allele CA371129192.